The following is an entry in ClinVar:

ClinVar aggregate classification (germline): Uncertain significance (1 of 4 stars; one submission).

Conditions:
Autosomal recessive spastic paraplegia type 78. Identifiers: Orphanet 513436, MedGen C5567893, MONDO:0014975, OMIM 617225.
Kufor-Rakeb syndrome (KRS). Also called: PARKINSON DISEASE 9, AUTOSOMAL RECESSIVE, JUVENILE-ONSET. Identifiers: Orphanet 306674, Orphanet 314632, MedGen C1847640, MONDO:0011706, OMIM 606693.

Submission:

Labcorp Genetics (formerly Invitae), Labcorp
Classification: Uncertain significance for Kufor-Rakeb syndrome; Autosomal recessive spastic paraplegia type 78. Last evaluated: 2022-07-12. Review status: criteria provided, single submitter. Criteria: Invitae Variant Classification Sherloc (09022015). Collection method: clinical testing. Allele origin: germline.
Comment: This variant has not been reported in the literature in individuals affected with ATP13A2-related conditions. Advanced modeling of protein sequence and biophysical properties (such as structural, functional, and spatial information, amino acid conservation, physicochemical variation, residue mobility, and thermodynamic stability) performed at Invitae indicates that this missense variant is not expected to disrupt ATP13A2 protein function. In summary, the available evidence is currently insufficient to determine the role of this variant in disease. Therefore, it has been classified as a Variant of Uncertain Significance. This variant is not present in population databases (gnomAD no frequency). This sequence change replaces threonine, which is neutral and polar, with proline, which is neutral and non-polar, at codon 20 of the ATP13A2 protein (p.Thr20Pro).

NM_022089.4(ATP13A2):c.58A>C (p.Thr20Pro)

Gene: ATP13A2 (ATPase cation transporting 13A2; minus strand). Cytogenetic location: 1p36.13.
Variant type: single nucleotide variant.
Coding change: c.58A>C on transcript NM_022089.4 (MANE Select); coding-DNA position 58, A replaced by C.
Protein change: p.Thr20Pro; replaces threonine 20 with proline.
Molecular consequence: missense variant.
Genome position (GRCh38, 1-based): chr1:17,005,731, T>G on the plus strand (A>C on the coding strand, the complement: ATP13A2 is on the minus strand). VCF-style: chr1-17005731-T-G. GRCh37 (hg19) VCF-style: chr1-17332226-T-G.
Other names: c.58A>C, p.Thr20Pro (NM_001141973.3, NM_001141974.3); short protein forms T20P.
Identifiers: ClinVar variation 1936871 (VCV001936871.4), dbSNP rs2524479587, ClinGen allele CA338265522.